The following is an entry in ClinVar:

ClinVar aggregate classification (germline): Uncertain significance (1 of 4 stars; one submission).

Submission:

Labcorp Genetics (formerly Invitae), Labcorp
Classification: Uncertain significance. Last evaluated: 2024-04-08. Review status: criteria provided, single submitter. Criteria: Invitae Variant Classification Sherloc (09022015). Collection method: clinical testing. Allele origin: germline.
Comment: This sequence change replaces arginine, which is basic and polar, with proline, which is neutral and non-polar, at codon 198 of the ROM1 protein (p.Arg198Pro). This variant is present in population databases (no rsID available, gnomAD 0.003%). This variant has not been reported in the literature in individuals affected with ROM1-related conditions. An algorithm developed to predict the effect of missense changes on protein structure and function (PolyPhen-2) suggests that this variant is likely to be disruptive. In summary, the available evidence is currently insufficient to determine the role of this variant in disease. Therefore, it has been classified as a Variant of Uncertain Significance.

NM_000327.4(ROM1):c.593G>C (p.Arg198Pro)

Gene: ROM1 (retinal outer segment membrane protein 1; plus strand). Cytogenetic location: 11q12.3.
Variant type: single nucleotide variant.
Coding change: c.593G>C on transcript NM_000327.4 (MANE Select); coding-DNA position 593, G replaced by C.
Protein change: p.Arg198Pro; replaces arginine 198 with proline.
Molecular consequence: missense variant.
Genome position (GRCh38, 1-based): chr11:62,614,260, G>C. VCF-style: chr11-62614260-G-C. GRCh37 (hg19) VCF-style: chr11-62381732-G-C.
Other names: short protein forms R198P.
Identifiers: ClinVar variation 3730832 (VCV003730832.2).